The following is an entry in ClinVar:

ClinVar aggregate classification (germline): Pathogenic (0 of 4 stars; one submission).

Conditions:
Gorlin syndrome. Also called: Basal cell nevus syndrome; Nevoid Basal Cell Carcinoma Syndrome. Identifiers: Orphanet 377, MedGen C0004779, MONDO:0007187.

Submission:

Medical Genetics Unit, Fondazione IRCCS Ca' Granda Ospedale Maggiore Policlinico
Classification: Pathogenic for Basal cell nevus syndrome 1. Last evaluated: 2022-02-17. Review status: no assertion criteria provided. Collection method: clinical testing. Allele origin: maternal. Inheritance: Autosomal dominant inheritance. Affected: yes. Observed: 1 heterozygote.
Comment: The variant c.648_651dup (p.Gln218GlyfsTer35) in the PTCH1 gene was found to be penetrant for Basal Cell Nevus Syndrome (BCNS) in three generation of an Italian pedigree.

NM_000264.5(PTCH1):c.648_651dup (p.Gln218fs)

Gene: PTCH1 (patched 1; minus strand). Cytogenetic location: 9q22.32.
Variant type: Duplication.
Coding change: c.648_651dup on transcript NM_000264.5 (MANE Select); coding-DNA positions 648 to 651, 4 bases duplicated (GGAT; older notation c.648_651dupGGAT).
Protein change: p.Gln218fs; shifts the reading frame from glutamine 218.
Molecular consequence: frameshift variant. On other transcripts: non-coding transcript variant (1).
Genome position (GRCh38, 1-based): chr9:95,482,137-95,482,140, ATCC duplicated on the plus strand (GGAT on the coding strand, the reverse complement: PTCH1 is on the minus strand); duplicating any 4 consecutive bases within chr9:95,482,137-95,482,142 gives the same sequence; the c. name uses the placement nearest the transcript's 3' end. VCF-style (leftmost placement, unchanged base first): chr9-95482136-G-GATCC. GRCh37 (hg19) VCF-style: chr9-98244418-G-GATCC.
Other names: c.450_453dup, p.Gln152fs (NM_001083602.3, NM_001354919.2); c.645_648dup, p.Gln217fs (NM_001083603.3); c.195_198dup, p.Gln67fs (NM_001083604.3, NM_001083605.3, NM_001083606.3 and 1 more transcripts); c.648_651dup, p.Gln218fs (NM_001354918.2); short protein forms Q152fs, Q217fs, Q218fs, Q67fs.
Identifiers: ClinVar variation 1341686 (VCV001341686.2), dbSNP rs2118472215, ClinGen allele CA2573053210.